The following is an entry in ClinVar:

NM_001556.3(IKBKB):c.2003C>T (p.Pro668Leu)

Gene: IKBKB (inhibitor of nuclear factor kappa B kinase subunit beta; plus strand). Cytogenetic location: 8p11.21.
Variant type: single nucleotide variant.
Coding change: c.2003C>T on transcript NM_001556.3 (MANE Select); coding-DNA position 2003, C replaced by T.
Protein change: p.Pro668Leu; replaces proline 668 with leucine.
Molecular consequence: missense variant. On other transcripts: non-coding transcript variant (3).
Genome position (GRCh38, 1-based): chr8:42,325,986, C>T. VCF-style: chr8-42325986-C-T. GRCh37 (hg19) VCF-style: chr8-42183504-C-T.
Other names: c.1811C>T, p.Pro604Leu (NM_001190720.3); c.1826C>T, p.Pro609Leu (NM_001242778.2); short protein forms P604L, P668L, P609L.
Identifiers: ClinVar variation 3671693 (VCV003671693.2).

ClinVar aggregate classification (germline): Uncertain significance (1 of 4 stars; one submission).

Conditions:
Severe combined immunodeficiency due to IKK2 deficiency. Also called: Immunodeficiency 15; IMMUNODEFICIENCY 15B. Identifiers: Orphanet 397787, MedGen C4747743, MONDO:0014267, OMIM 615592.

gnomAD v4.1: 2 of 1,614,104 alleles (0.00012%); highest among the groups gnomAD compares: Non-Finnish European, 0.00017%; no homozygotes.

Submission:

Labcorp Genetics (formerly Invitae), Labcorp
Classification: Uncertain significance for Severe combined immunodeficiency due to IKK2 deficiency. Last evaluated: 2024-09-11. Review status: criteria provided, single submitter. Criteria: Invitae Variant Classification Sherloc (09022015). Collection method: clinical testing. Allele origin: germline.
Comment: This sequence change replaces proline, which is neutral and non-polar, with leucine, which is neutral and non-polar, at codon 668 of the IKBKB protein (p.Pro668Leu). This variant is present in population databases (rs141390356, gnomAD 0.0009%). This variant has not been reported in the literature in individuals affected with IKBKB-related conditions. Invitae Evidence Modeling of protein sequence and biophysical properties (such as structural, functional, and spatial information, amino acid conservation, physicochemical variation, residue mobility, and thermodynamic stability) indicates that this missense variant is not expected to disrupt IKBKB protein function with a negative predictive value of 95%. In summary, the available evidence is currently insufficient to determine the role of this variant in disease. Therefore, it has been classified as a Variant of Uncertain Significance.